The following is an entry in ClinVar:

ClinVar aggregate classification (germline): Uncertain significance (1 of 4 stars; one submission).

Conditions:
Chromosome 2q32-q33 deletion syndrome (GLASS). Also called: 2q33.1 deletion syndrome; Glass syndrome. Identifiers: Orphanet 251019, MedGen C2676739, MONDO:0012864, OMIM 612313.

Allele frequency attached by ClinVar (database versions not stated): gnomAD exomes below 0.00001 and 0.00001; gnomAD 0.00001; TOPMed 0.00001; ExAC 0.00002.
gnomAD v4.1: 3 of 1,613,804 alleles (0.00019%); highest among the groups gnomAD compares: African/African-American, 0.0027%; no homozygotes.

Submission:

Labcorp Genetics (formerly Invitae), Labcorp
Classification: Uncertain significance for Chromosome 2q32-q33 deletion syndrome. Last evaluated: 2024-02-17. Review status: criteria provided, single submitter. Criteria: Invitae Variant Classification Sherloc (09022015). Collection method: clinical testing. Allele origin: germline.
Comment: This sequence change replaces valine, which is neutral and non-polar, with isoleucine, which is neutral and non-polar, at codon 247 of the SATB2 protein (p.Val247Ile). This variant is present in population databases (rs767767817, gnomAD 0.007%). This variant has not been reported in the literature in individuals affected with SATB2-related conditions. ClinVar contains an entry for this variant (Variation ID: 658215). Advanced modeling of protein sequence and biophysical properties (such as structural, functional, and spatial information, amino acid conservation, physicochemical variation, residue mobility, and thermodynamic stability) performed at Invitae indicates that this missense variant is not expected to disrupt SATB2 protein function with a negative predictive value of 95%. In summary, the available evidence is currently insufficient to determine the role of this variant in disease. Therefore, it has been classified as a Variant of Uncertain Significance.

NM_001172509.2(SATB2):c.739G>A (p.Val247Ile)

Gene: SATB2 (SATB homeobox 2; minus strand). Cytogenetic location: 2q33.1.
Variant type: single nucleotide variant.
Coding change: c.739G>A on transcript NM_001172509.2 (MANE Select); coding-DNA position 739, G replaced by A.
Protein change: p.Val247Ile; replaces valine 247 with isoleucine.
Molecular consequence: missense variant.
Genome position (GRCh38, 1-based): chr2:199,349,135, C>T on the plus strand (G>A on the coding strand, the complement: SATB2 is on the minus strand). VCF-style: chr2-199349135-C-T. GRCh37 (hg19) VCF-style: chr2-200213858-C-T.
Other names: c.739G>A, p.Val247Ile (NM_001172517.1, NM_015265.4); short protein forms V247I.
Identifiers: ClinVar variation 658215 (VCV000658215.11), dbSNP rs767767817, ClinGen allele CA2046012.